The following is an entry in ClinVar:

ClinVar aggregate classification (germline): Pathogenic (1 of 4 stars; one submission).

Conditions:
Bloom syndrome (BLM). Also called: Bloom-Torre-Machacek syndrome. Identifiers: Orphanet 125, MedGen C0005859, MONDO:0008876, OMIM 210900.

Submission:

Labcorp Genetics (formerly Invitae), Labcorp
Classification: Pathogenic for Bloom syndrome. Last evaluated: 2023-05-13. Review status: criteria provided, single submitter. Criteria: Invitae Variant Classification Sherloc (09022015). Collection method: clinical testing. Allele origin: germline.
Comment: For these reasons, this variant has been classified as Pathogenic. This variant has not been reported in the literature in individuals affected with BLM-related conditions. This variant is not present in population databases (gnomAD no frequency). This sequence change creates a premature translational stop signal (p.Lys476Argfs*26) in the BLM gene. It is expected to result in an absent or disrupted protein product. Loss-of-function variants in BLM are known to be pathogenic (PMID: 17407155).

Literature cited by the submitters: PubMed 17407155.

NM_000057.4(BLM):c.1427del (p.Lys476fs)

Gene: BLM (BLM RecQ like helicase; plus strand). Cytogenetic location: 15q26.1.
Variant type: Deletion.
Coding change: c.1427del on transcript NM_000057.4 (MANE Select); coding-DNA position 1427, one base deleted (A; older notation c.1427delA).
Protein change: p.Lys476fs; shifts the reading frame from lysine 476.
Molecular consequence: frameshift variant.
Genome position (GRCh38, 1-based): chr15:90,760,800, A deleted; the last of 3 consecutive A bases (chr15:90,760,798-90,760,800); deleting any one gives the same sequence. VCF-style (leftmost placement, unchanged base first): chr15-90760797-GA-G. GRCh37 (hg19) VCF-style: chr15-91304027-GA-G.
Other names: c.1427del, p.Lys476fs (NM_001287246.2, NM_001287247.2); c.302del, p.Lys101fs (NM_001287248.2); short protein forms K101fs, K476fs.
Identifiers: ClinVar variation 2863885 (VCV002863885.3), dbSNP rs2505425468, ClinGen allele CA2739269732.